The following is an entry in ClinVar:

ClinVar aggregate classification (germline): Likely pathogenic (1 of 4 stars; one submission).

Conditions:
SMC1A-related disorder. Also called: SMC1A-related condition.

Submission:

3billion
Classification: Likely pathogenic for SMC1A-related disorder. Last evaluated: 2025-07-30. Review status: criteria provided, single submitter. Criteria: ACMG Guidelines, 2015. Collection method: clinical testing. Allele origin: germline. Affected: yes.
Comment: The variant is not observed in the gnomAD v4.1.0 dataset. Predicted Consequence/Location: Frameshift: predicted to result in a loss or disruption of normal protein function through nonsense-mediated decay (NMD) or protein truncation. Multiple pathogenic variants are reported downstream of the variant. Therefore, this variant is classified as Likely pathogenic according to the recommendation of ACMG/AMP guideline.

NM_006306.4(SMC1A):c.1074_1077del (p.Ser358fs)

Gene: SMC1A (structural maintenance of chromosomes 1A; minus strand). Cytogenetic location: Xp11.22.
Variant type: Deletion.
Coding change: c.1074_1077del on transcript NM_006306.4 (MANE Select); coding-DNA positions 1074 to 1077, 4 bases deleted (TCAG; older notation c.1074_1077delTCAG).
Protein change: p.Ser358fs; shifts the reading frame from serine 358.
Molecular consequence: frameshift variant.
Genome position (GRCh38, 1-based): chrX:53,412,031-53,412,034, CTGA deleted on the plus strand (TCAG on the coding strand, the reverse complement: SMC1A is on the minus strand); deleting any 4 consecutive bases within chrX:53,412,031-53,412,036 gives the same sequence; the c. name uses the placement nearest the transcript's 3' end. VCF-style (leftmost placement, unchanged base first): chrX-53412030-TCTGA-T. GRCh37 (hg19) VCF-style: chrX-53438980-TCTGA-T.
Other names: c.1008_1011del, p.Ser336fs (NM_001281463.1); short protein forms S336fs, S358fs.
Identifiers: ClinVar variation 4855226 (VCV004855226.1).